The following is an entry in ClinVar:

ClinVar aggregate classification (germline): Likely pathogenic (1 of 4 stars; one submission).

Conditions:
Cardiovascular phenotype. Identifiers: MedGen CN230736.

Submission:

Ambry Genetics
Classification: Likely pathogenic for Cardiovascular phenotype. Last evaluated: 2025-08-27. Review status: criteria provided, single submitter. Criteria: Ambry Variant Classification Scheme 2023. Collection method: clinical testing. Allele origin: germline.
Comment: The c.31730delC variant, located in coding exon 126 of the TTN gene, results from a deletion of one nucleotide at nucleotide position 31730, causing a translational frameshift with a predicted alternate stop codon (p.P10577Lfs*4). This exon is located in the A-band region of the N2-B isoform of the titin protein and is constitutively expressed in TTN transcripts (percent spliced in or PSI 100%). This alteration is expected to result in loss of function by premature protein truncation or nonsense-mediated mRNA decay. While truncating variants in TTN are present in 1-3% of the general population, truncating variants in the A-band are the most common cause of dilated cardiomyopathy (DCM) (Herman DS et al. N. Engl. J. Med., 2012 Feb;366:619-28; Roberts AM et al. Sci Transl Med, 2015 Jan;7:270ra6). TTN truncating variants encoded in constitutive exons (PSI >90%) have been found to be significantly associated with DCM regardless of their position in titin (Schafer S et al. Nat. Genet., 2017 01;49:46-53). This variant is considered to be rare based on population cohorts in the Genome Aggregation Database (gnomAD). As such, this alteration is classified as likely pathogenic.

NM_001267550.2(TTN):c.58925del (p.Pro19642fs)

Genes: TTN-AS1 (TTN antisense RNA 1; plus strand), TTN (titin; minus strand). Cytogenetic location: 2q31.2.
Variant type: Deletion.
Coding change: c.58925del on transcript NM_001267550.2 (MANE Select); coding-DNA position 58925, one base deleted (C; older notation c.58925delC).
Protein change: p.Pro19642fs; shifts the reading frame from proline 19642.
Molecular consequence: frameshift variant.
Genome position (GRCh38, 1-based): chr2:178,593,283, G deleted on the plus strand (C on the coding strand, the reverse complement: TTN is on the minus strand); the first of 2 consecutive G bases (chr2:178,593,283-178,593,284); deleting either gives the same sequence. VCF-style (leftmost placement, unchanged base first): chr2-178593282-AG-A. GRCh37 (hg19) VCF-style: chr2-179458009-AG-A.
Other names: c.54002del, p.Pro18001fs (NM_001256850.1); c.31730del, p.Pro10577fs (NM_003319.4); c.51221del, p.Pro17074fs (NM_133378.4); c.32105del, p.Pro10702fs (NM_133432.3); c.32306del, p.Pro10769fs (NM_133437.4); c.31730delC (NM_003319.4); short protein forms P10702fs, P10577fs, P17074fs, P19642fs, P10769fs, P18001fs.
Identifiers: ClinVar variation 1728458 (VCV001728458.3), dbSNP rs2469572128, ClinGen allele CA2580064895.